The following is an entry in ClinVar:

ClinVar aggregate classification (germline): Uncertain significance (1 of 4 stars; one submission).

Conditions:
Neuroblastoma, susceptibility to, 3. Also called: ALK-Related Neuroblastic Tumor Susceptibility. Identifiers: Orphanet 635, MedGen C2751681, MONDO:0013083, OMIM 613014.

Submission:

Labcorp Genetics (formerly Invitae), Labcorp
Classification: Uncertain significance for Neuroblastoma, susceptibility to, 3. Last evaluated: 2023-03-29. Review status: criteria provided, single submitter. Criteria: Invitae Variant Classification Sherloc (09022015). Collection method: clinical testing. Allele origin: germline.
Comment: In summary, the available evidence is currently insufficient to determine the role of this variant in disease. Therefore, it has been classified as a Variant of Uncertain Significance. An algorithm developed to predict the effect of missense changes on protein structure and function (PolyPhen-2) suggests that this variant is likely to be disruptive. This variant has not been reported in the literature in individuals affected with ALK-related conditions. This variant is not present in population databases (gnomAD no frequency). This sequence change replaces arginine, which is basic and polar, with leucine, which is neutral and non-polar, at codon 48 of the ALK protein (p.Arg48Leu).

NM_004304.5(ALK):c.143G>T (p.Arg48Leu)

Gene: ALK (ALK receptor tyrosine kinase; minus strand). Cytogenetic location: 2p23.1.
Variant type: single nucleotide variant.
Coding change: c.143G>T on transcript NM_004304.5 (MANE Select); coding-DNA position 143, G replaced by T.
Protein change: p.Arg48Leu; replaces arginine 48 with leucine.
Molecular consequence: missense variant.
Genome position (GRCh38, 1-based): chr2:29,920,517, C>A on the plus strand (G>T on the coding strand, the complement: ALK is on the minus strand). VCF-style: chr2-29920517-C-A. GRCh37 (hg19) VCF-style: chr2-30143383-C-A.
Other names: short protein forms R48L.
Identifiers: ClinVar variation 2875892 (VCV002875892.3), dbSNP rs1558550140, ClinGen allele CA346590614.